The following is an entry in ClinVar:

ClinVar aggregate classification (germline): Pathogenic/Likely pathogenic. Review status: criteria provided, multiple submitters, no conflicts (2 of 4 stars). 3 submissions from 3 submitters: Pathogenic (1); Likely pathogenic (1). 1 of the submissions does not count toward it. Last evaluated 2023-08-10.

Conditions:
Dilated cardiomyopathy 1G (CMD1G). Identifiers: Orphanet 154, MedGen C1858763, MONDO:0011400, OMIM 604145.
Autosomal recessive limb-girdle muscular dystrophy type 2J (LGMDR10). Also called: MUSCULAR DYSTROPHY, LIMB-GIRDLE, AUTOSOMAL RECESSIVE 10; Limb-girdle muscular dystrophy, type 2J. Identifiers: Orphanet 140922, MedGen C1837342, MONDO:0012127, OMIM 608807.
Primary dilated cardiomyopathy (DCM). Also called: Dilated Cardiomyopathy. Identifiers: Orphanet 217604, MedGen C0007193, MeSH D002311, MONDO:0005021, HP:0001644. Inheritance: Various modes of inheritance.

Submissions (3):

Labcorp Genetics (formerly Invitae), Labcorp
Classification: Pathogenic for Dilated cardiomyopathy 1G; Autosomal recessive limb-girdle muscular dystrophy type 2J. Last evaluated: 2023-08-10. Review status: criteria provided, single submitter. Criteria: Invitae Variant Classification Sherloc (09022015). Collection method: clinical testing. Allele origin: germline.
Comment: For these reasons, this variant has been classified as Pathogenic. This sequence change creates a premature translational stop signal (p.Tyr25182*) in the TTN gene. While this is not anticipated to result in nonsense mediated decay, it is expected to create a truncated TTN protein. This variant is not present in population databases (gnomAD no frequency). This premature translational stop signal has been observed in individuals with dilated cardiomyopathy (PMID: 31737537, 32659924; Invitae). ClinVar contains an entry for this variant (Variation ID: 446426). This variant is located in the A band of TTN (PMID: 25589632). Truncating variants in this region are significantly overrepresented in patients affected with dilated cardiomyopathy (PMID: 25589632). Truncating variants in this region have also been reported in individuals affected with autosomal recessive centronuclear myopathy (PMID: 23975875).

MVZ Martinsried, Medicover Genetics
Classification: Likely pathogenic for Dilated cardiomyopathy 1G. Last evaluated: 2017-08-09. Review status: criteria provided, single submitter. Criteria: ACMG Guidelines, 2015. Collection method: clinical testing. Allele origin: unknown. Affected: yes.

Institute of Human Genetics, University of Wuerzburg
Classification: Pathogenic for Primary dilated cardiomyopathy. Review status: no assertion criteria provided. Collection method: clinical testing. Allele origin: unknown. Not counted in ClinVar's aggregate classification.

Literature cited by the submitters: PubMed 31737537 (cited by Labcorp Genetics (formerly Invitae), Labcorp); PubMed 32659924 (cited by Labcorp Genetics (formerly Invitae), Labcorp); PubMed 25589632 (cited by Labcorp Genetics (formerly Invitae), Labcorp); PubMed 23975875 (cited by Labcorp Genetics (formerly Invitae), Labcorp).

NM_001267550.2(TTN):c.75546C>A (p.Tyr25182Ter)

Genes: TTN (titin; minus strand), TTN-AS1 (TTN antisense RNA 1; plus strand). Cytogenetic location: 2q31.2.
Variant type: single nucleotide variant.
Coding change: c.75546C>A on transcript NM_001267550.2 (MANE Select); coding-DNA position 75546, C replaced by A.
Protein change: p.Tyr25182Ter; replaces tyrosine 25182 with a stop codon.
Molecular consequence: nonsense.
Genome position (GRCh38, 1-based): chr2:178,570,586, G>T on the plus strand (C>A on the coding strand, the complement: TTN is on the minus strand). VCF-style: chr2-178570586-G-T. GRCh37 (hg19) VCF-style: chr2-179435313-G-T.
Other names: c.70623C>A, p.Tyr23541Ter (NM_001256850.1); c.48351C>A, p.Tyr16117Ter (NM_003319.4); c.67842C>A, p.Tyr22614Ter (NM_133378.4); c.48726C>A, p.Tyr16242Ter (NM_133432.3); c.48927C>A, p.Tyr16309Ter (NM_133437.4); short protein forms Y25182*, Y16309*, Y23541*, Y16117*, Y22614*, Y16242*.
Identifiers: ClinVar variation 446426 (VCV000446426.7), dbSNP rs1553603152, ClinGen allele CA349622093.